The following is an entry in ClinVar:

NM_015450.3(POT1):c.10-392A>G

Gene: POT1 (protection of telomeres 1; minus strand). Cytogenetic location: 7q31.33.
Variant type: single nucleotide variant.
Coding change: c.10-392A>G on transcript NM_015450.3 (MANE Select); 392 bases into the intron before coding-DNA position 10, A replaced by G.
Molecular consequence: intron variant.
Genome position (GRCh38, 1-based): chr7:124,892,772, T>C on the plus strand (A>G on the coding strand, the complement: POT1 is on the minus strand). VCF-style: chr7-124892772-T-C. GRCh37 (hg19) VCF-style: chr7-124532826-T-C.
Other names: c.-253-392A>G (NM_001042594.2).
Identifiers: ClinVar variation 3226648 (VCV003226648.2), dbSNP rs993522134, ClinGen allele CA166095740.
Genomic context (GRCh38, chr7:124,892,772, plus strand): 5'-CTTTAGAATGGGTCTATTAGGCAATTTAATGCATTTTGTATTTATAAAATTTTTGACTTA[T>C]GATGGGTACACTGGATGTAACTTCATTGTAAATCAAGGAGCATCTGTAGTGAAAAACAGC-3'

ClinVar aggregate classification (germline): Likely pathogenic (1 of 4 stars; one submission).

Conditions:
Hereditary cancer-predisposing syndrome. Also called: Neoplastic Syndromes, Hereditary; Tumor predisposition; Hereditary neoplastic syndrome; Hereditary Cancer Syndrome. Identifiers: Orphanet 140162, MedGen C0027672, MeSH D009386, MONDO:0015356.

Allele frequency attached by ClinVar (database versions not stated): TOPMed below 0.00001.

Submission:

Ambry Genetics
Classification: Likely pathogenic for Hereditary cancer-predisposing syndrome. Last evaluated: 2025-10-24. Review status: criteria provided, single submitter. Criteria: Ambry Variant Classification Scheme 2023. Collection method: clinical testing. Allele origin: germline.
Comment: The c.10-392A>G intronic variant results from an A to G substitution 392 nucleotides upstream from coding exon 2 in the POT1 gene. This nucleotide position is well conserved in available vertebrate species. In silico splice site analysis predicts that this alteration will result in the creation or strengthening of a novel splice donor site and will result in the creation or strengthening of a novel splice acceptor site. RNA studies have demonstrated that this alteration results in abnormal splicing in the set of samples tested (Ambry internal data). This variant is considered to be rare based on population cohorts in the Genome Aggregation Database (gnomAD). Based on the majority of available evidence to date, this variant is likely to be pathogenic.